The following is an entry in ClinVar:

NM_007294.4(BRCA1):c.51del (p.Met18fs)

Gene: BRCA1 (BRCA1 DNA repair associated; minus strand). Cytogenetic location: 17q21.31.
Variant type: Deletion.
Coding change: c.51del on transcript NM_007294.4 (MANE Select); coding-DNA position 51, one base deleted (T; older notation c.51delT).
Protein change: p.Met18fs; shifts the reading frame from methionine 18.
Molecular consequence: frameshift variant. On other transcripts: 5 prime UTR variant (1), non-coding transcript variant (1).
Genome position (GRCh38, 1-based): chr17:43,124,046, A deleted on the plus strand (T on the coding strand, the reverse complement: BRCA1 is on the minus strand). VCF-style (leftmost placement, unchanged base first): chr17-43124045-TA-T. GRCh37 (hg19) VCF-style: chr17-41276062-TA-T.
Other names: c.-207delT (NM_001408456.1, NM_001408468.1, NM_001408501.1 and 11 more transcripts); c.-37delT (NM_001408459.1, NM_001408460.1, NM_001408461.1 and 22 more transcripts); c.-210delT (NM_001408462.1, NM_001408463.1, NM_001408466.1 and 22 more transcripts); c.-211delT (NM_001408465.1, NM_001407695.1); c.51delT, p.Met18Cysfs (NM_001408472.1, NM_001408473.1, NM_001408474.1 and 191 more transcripts); c.-138delT (NM_001408478.1, NM_001408479.1, NM_001408480.1 and 46 more transcripts); c.-283delT (NM_001408482.1); c.-254delT (NM_001408492.1, NM_001407889.1); and 10 more; short protein forms M18fs.
Identifiers: ClinVar variation 254366 (VCV000254366.4), dbSNP rs886037967, ClinGen allele CA10586674.

ClinVar aggregate classification (germline): Pathogenic. Review status: reviewed by expert panel (3 of 4 stars). 2 submissions from 2 submitters: Pathogenic (1). 1 of the submissions does not count toward it. Last evaluated 2016-09-08.

Conditions:
Breast-ovarian cancer, familial, susceptibility to, 1 (BROVCA1). Also called: BRCA1 Hereditary Breast and Ovarian Cancer; OVARIAN CANCER, SUSCEPTIBILITY TO. Identifiers: Orphanet 145, MedGen C2676676, MONDO:0011450, OMIM 604370. Disease mechanism: loss of function.

Submissions (2):

Evidence-based Network for the Interpretation of Germline Mutant Alleles (ENIGMA)
Classification: Pathogenic for Breast-ovarian cancer, familial, susceptibility to, 1. Last evaluated: 2016-09-08. Review status: reviewed by expert panel. Criteria: ENIGMA BRCA1/2 Classification Criteria (2015). Collection method: curation. Allele origin: germline.
Comment: Variant allele predicted to encode a truncated non-functional protein.

Consortium of Investigators of Modifiers of BRCA1/2 (CIMBA), c/o University of Cambridge
Classification: Pathogenic for Breast-ovarian cancer, familial, susceptibility to, 1. Last evaluated: 2015-10-02. Review status: criteria provided, single submitter. Criteria: CIMBA Mutation Classification guidelines May 2016. Collection method: clinical testing. Allele origin: germline. Not counted in ClinVar's aggregate classification.